The following is an entry in ClinVar:

NM_014264.5(PLK4):c.2563-1G>A

Gene: PLK4 (polo like kinase 4; plus strand). Cytogenetic location: 4q28.1.
Variant type: single nucleotide variant.
Coding change: c.2563-1G>A on transcript NM_014264.5 (MANE Select); the canonical splice acceptor site of the intron before coding-DNA position 2563, G replaced by A.
Molecular consequence: splice acceptor variant.
Genome position (GRCh38, 1-based): chr4:127,894,952, G>A. VCF-style: chr4-127894952-G-A. GRCh37 (hg19) VCF-style: chr4-128816107-G-A.
Other names: c.2467-1G>A (NM_001190799.2); c.2440-1G>A (NM_001190801.2).
Identifiers: ClinVar variation 2017507 (VCV002017507.4), dbSNP rs2546024676, ClinGen allele CA358163870.

ClinVar aggregate classification (germline): Likely pathogenic (1 of 4 stars; one submission).

Submission:

Labcorp Genetics (formerly Invitae), Labcorp
Classification: Likely pathogenic. Last evaluated: 2022-11-15. Review status: criteria provided, single submitter. Criteria: Invitae Variant Classification Sherloc (09022015). Collection method: clinical testing. Allele origin: germline.
Comment: In summary, the currently available evidence indicates that the variant is pathogenic, but additional data are needed to prove that conclusively. Therefore, this variant has been classified as Likely Pathogenic. Algorithms developed to predict the effect of sequence changes on RNA splicing suggest that this variant may disrupt the consensus splice site. This variant has not been reported in the literature in individuals affected with PLK4-related conditions. This variant is not present in population databases (gnomAD no frequency). This sequence change affects an acceptor splice site in intron 13 of the PLK4 gene. It is expected to disrupt RNA splicing. Variants that disrupt the donor or acceptor splice site typically lead to a loss of protein function (PMID: 16199547), and loss-of-function variants in PLK4 are known to be pathogenic (PMID: 25320347, 30842647).

Literature cited by the submitters: PubMed 16199547; PubMed 25320347; PubMed 30842647.